The following is an entry in ClinVar:

NM_014714.4(IFT140):c.3958A>G (p.Lys1320Glu)

Gene: IFT140 (intraflagellar transport 140; minus strand). Cytogenetic location: 16p13.3.
Variant type: single nucleotide variant.
Coding change: c.3958A>G on transcript NM_014714.4 (MANE Select); coding-DNA position 3958, A replaced by G.
Protein change: p.Lys1320Glu; replaces lysine 1320 with glutamic acid.
Molecular consequence: missense variant.
Genome position (GRCh38, 1-based): chr16:1,519,963, T>C on the plus strand (A>G on the coding strand, the complement: IFT140 is on the minus strand). VCF-style: chr16-1519963-T-C. GRCh37 (hg19) VCF-style: chr16-1569964-T-C.
Other names: c.3958A>G (NM_014714.3); short protein forms K1320E.
Identifiers: ClinVar variation 1450642 (VCV001450642.10), dbSNP rs776809726, ClinGen allele CA7812969.

ClinVar aggregate classification (germline): Uncertain significance. Review status: criteria provided, multiple submitters, no conflicts (2 of 4 stars). 3 submissions from 3 submitters: Uncertain significance (3). Last evaluated 2025-01-21.

Conditions:
Inborn genetic diseases. Identifiers: MedGen C0950123, MeSH D030342.
Retinitis pigmentosa 80 (RP80). Identifiers: MedGen C4540439, MONDO:0054708, OMIM 617781.
Saldino-Mainzer syndrome (SRTD9). Also called: Renal dysplasia, retinal pigmentary dystrophy, cerebellar ataxia and skeletal dysplasia; CONORENAL SYNDROME; SHORT-RIB THORACIC DYSPLASIA 9 WITHOUT POLYDACTYLY; short-rib thoracic dysplasia 9 with or without polydactyly. Identifiers: Orphanet 140969, MedGen C1849437, MONDO:0009964, OMIM 266920.

Allele frequency attached by ClinVar (database versions not stated): gnomAD exomes below 0.00001; ExAC 0.00001; gnomAD 0.00001; TOPMed 0.00002.
gnomAD v4.1: 4 of 1,599,060 alleles (0.00025%); highest among the groups gnomAD compares: African/African-American, 0.004%; no homozygotes.

Submissions (3):

Ambry Genetics
Classification: Uncertain significance for Inborn genetic diseases. Last evaluated: 2025-01-21. Review status: criteria provided, single submitter. Criteria: Ambry Variant Classification Scheme 2023. Collection method: clinical testing. Allele origin: germline.

Fulgent Genetics
Classification: Uncertain significance for Saldino-Mainzer syndrome; Retinitis pigmentosa 80. Last evaluated: 2022-03-01. Review status: criteria provided, single submitter. Criteria: ACMG Guidelines, 2015. Collection method: clinical testing. Allele origin: unknown.

Labcorp Genetics (formerly Invitae), Labcorp
Classification: Uncertain significance for Saldino-Mainzer syndrome. Last evaluated: 2021-04-12. Review status: criteria provided, single submitter. Criteria: Invitae Variant Classification Sherloc (09022015). Collection method: clinical testing. Allele origin: germline.
Comment: This sequence change replaces lysine with glutamic acid at codon 1320 of the IFT140 protein (p.Lys1320Glu). The lysine residue is moderately conserved and there is a small physicochemical difference between lysine and glutamic acid. In summary, the available evidence is currently insufficient to determine the role of this variant in disease. Therefore, it has been classified as a Variant of Uncertain Significance. Algorithms developed to predict the effect of missense changes on protein structure and function (SIFT, PolyPhen-2, Align-GVGD) all suggest that this variant is likely to be tolerated, but these predictions have not been confirmed by published functional studies and their clinical significance is uncertain. This variant has not been reported in the literature in individuals with IFT140-related conditions. This variant is present in population databases (rs776809726, ExAC 0.009%).